The following is an entry in ClinVar:

NM_000093.5(COL5A1):c.2332G>T (p.Gly778Cys)

Gene: COL5A1 (collagen type V alpha 1 chain; plus strand). Cytogenetic location: 9q34.3.
Variant type: single nucleotide variant.
Coding change: c.2332G>T on transcript NM_000093.5 (MANE Select); coding-DNA position 2332, G replaced by T.
Protein change: p.Gly778Cys; replaces glycine 778 with cysteine.
Molecular consequence: missense variant.
Genome position (GRCh38, 1-based): chr9:134,774,859, G>T. VCF-style: chr9-134774859-G-T. GRCh37 (hg19) VCF-style: chr9-137666705-G-T.
Other names: c.2332G>T, p.Gly778Cys (NM_001278074.1); short protein forms G778C.
Identifiers: ClinVar variation 1333760 (VCV001333760.4), dbSNP rs2132747882, ClinGen allele CA375451825.

ClinVar aggregate classification (germline): Conflicting classifications of pathogenicity. Review status: criteria provided, conflicting classifications (1 of 4 stars). 2 submissions from 2 submitters: Likely pathogenic (1); Uncertain significance (1). Last evaluated 2023-07-19.

Conditions:
Ehlers-Danlos syndrome, classic type, 1 (EDSCL1). Also called: EHLERS-DANLOS SYNDROME, GRAVIS TYPE; EHLERS-DANLOS SYNDROME, SEVERE CLASSIC TYPE; Ehlers-Danlos syndrome, type 1; EDS I; Ehlers-Danlos Syndrome, Classic Type, COL5A1-Related. Identifiers: MedGen C0268335, MONDO:0019567, OMIM 130000.

Submissions (2):

Labcorp Genetics (formerly Invitae), Labcorp
Classification: Uncertain significance for Ehlers-Danlos syndrome, classic type, 1. Last evaluated: 2023-07-19. Review status: criteria provided, single submitter. Criteria: Invitae Variant Classification Sherloc (09022015). Collection method: clinical testing. Allele origin: germline.
Comment: In summary, the available evidence is currently insufficient to determine the role of this variant in disease. Therefore, it has been classified as a Variant of Uncertain Significance. This sequence change replaces glycine, which is neutral and non-polar, with cysteine, which is neutral and slightly polar, at codon 778 of the COL5A1 protein (p.Gly778Cys). This variant is not present in population databases (gnomAD no frequency). This variant has not been reported in the literature in individuals affected with COL5A1-related conditions. ClinVar contains an entry for this variant (Variation ID: 1333760). Experimental studies and prediction algorithms are not available or were not evaluated, and the functional significance of this variant is currently unknown. This variant disrupts the triple helix domain of COL5A1. Glycine residues within the Gly-Xaa-Yaa repeats of the triple helix domain are required for the structure and stability of fibrillar collagens (PMID: 7695699, 8218237, 19344236), and variants at these glycine residues in COL5A1 are more frequently observed in individuals with disease than in the general population (PMID: 22696272, 23587214). However, the clinical significance of this observation remains uncertain since only a limited number of affected individuals have been described to date.

CENTOGENE GmbH and LLC - Guiding Precision Medicine
Classification: Likely pathogenic for Ehlers-Danlos syndrome, classic type, 1. Last evaluated: 2020-04-30. Review status: criteria provided, single submitter. Criteria: ACMG Guidelines, 2015. Collection method: clinical testing. Allele origin: maternal.

Literature cited by the submitters: PubMed 7695699 (cited by Labcorp Genetics (formerly Invitae), Labcorp); PubMed 8218237 (cited by Labcorp Genetics (formerly Invitae), Labcorp); PubMed 19344236 (cited by Labcorp Genetics (formerly Invitae), Labcorp); PubMed 22696272 (cited by Labcorp Genetics (formerly Invitae), Labcorp); PubMed 23587214 (cited by Labcorp Genetics (formerly Invitae), Labcorp).